The following is an entry in ClinVar:

ClinVar aggregate classification (germline): Benign/Likely benign. Review status: criteria provided, multiple submitters, no conflicts (2 of 4 stars). 7 submissions from 7 submitters: Benign (3); Likely benign (4). Last evaluated 2026-02-01.

Conditions:
Hereditary spastic paraplegia. Also called: Familial spastic paraparesis. Identifiers: Orphanet 685, MedGen C0037773, MONDO:0019064. Disease mechanism: loss of function.
Spastic paraplegia. Identifiers: MedGen C0037772, HP:0001258.
Hereditary spastic paraplegia 10 (SPG10). Also called: SPASTIC PARAPLEGIA 10, AUTOSOMAL DOMINANT; SPASTIC PARAPLEGIA 10 WITH OR WITHOUT PERIPHERAL NEUROPATHY; SPASTIC PARAPLEGIA 10 WITH PERIPHERAL NEUROPATHY. Identifiers: Orphanet 100991, MedGen C1858712, MONDO:0011408, OMIM 604187.

Allele frequency attached by ClinVar (database versions not stated): ESP Exome Variant Server 0.00031; gnomAD 0.00038; TOPMed 0.00038; gnomAD exomes 0.00041 and 0.00052; ExAC 0.00049.
gnomAD v4.1: 717 of 1,614,000 alleles (0.044%); highest among the groups gnomAD compares: Middle Eastern, 0.21%; 3 homozygotes.

Submissions (7):

Labcorp Genetics (formerly Invitae), Labcorp
Classification: Benign for Spastic paraplegia. Last evaluated: 2026-02-01. Review status: criteria provided, single submitter. Criteria: Invitae Variant Classification Sherloc (09022015). Collection method: clinical testing. Allele origin: germline.

CeGaT Center for Human Genetics Tuebingen
Classification: Likely benign. Last evaluated: 2025-05-01. Review status: criteria provided, single submitter. Criteria: CeGaT Center For Human Genetics Tuebingen Variant Classification Criteria Version 2. Collection method: clinical testing. Allele origin: germline. Affected: yes. Observed: 4 variant alleles.
Comment: KIF5A: BP4, BS2

Blueprint Genetics
Classification: Likely benign. Last evaluated: 2024-10-22. Review status: criteria provided, single submitter. Criteria: ACMG Guidelines, 2015. Collection method: clinical testing. Allele origin: germline.

Genome Diagnostics Laboratory, The Hospital for Sick Children
Classification: Likely benign for Hereditary spastic paraplegia. Last evaluated: 2020-04-01. Review status: criteria provided, single submitter. Criteria: ACMG Guidelines, 2015. Collection method: clinical testing. Allele origin: germline. Affected: yes.

GeneDx
Classification: Benign. Last evaluated: 2019-05-14. Review status: criteria provided, single submitter. Criteria: GeneDx Variant Classification Process June 2021. Collection method: clinical testing. Allele origin: germline. Affected: yes.

Illumina Laboratory Services, Illumina
Classification: Likely benign for Hereditary spastic paraplegia 10. Last evaluated: 2018-01-13. Review status: criteria provided, single submitter. Criteria: ICSL Variant Classification Criteria 13 December 2019. Collection method: clinical testing. Allele origin: germline.
Comment: This variant was observed in the ICSL laboratory as part of a predisposition screen in an ostensibly healthy population. It had not been previously curated by ICSL or reported in the Human Gene Mutation Database (HGMD: prior to June 1st, 2018), and was therefore a candidate for classification through an automated scoring system. Utilizing variant allele frequency, disease prevalence and penetrance estimates, and inheritance mode, an automated score was calculated to assess if this variant is too frequent to cause the disease. Based on the score and internal cut-off values, a variant classified as likely benign is not then subjected to further curation. The score for this variant resulted in a classification of likely benign for this disease.

Eurofins Ntd Llc (ga)
Classification: Benign. Last evaluated: 2017-08-09. Review status: criteria provided, single submitter. Criteria: EGL Classification Definitions 2015. Collection method: clinical testing. Allele origin: germline. Observed: 1 variant allele, 1 heterozygote.

NM_004984.4(KIF5A):c.2412C>T (p.Asp804=)

Gene: KIF5A (kinesin family member 5A; plus strand). Cytogenetic location: 12q13.3.
Variant type: single nucleotide variant.
Coding change: c.2412C>T on transcript NM_004984.4 (MANE Select); coding-DNA position 2412, C replaced by T.
Protein change: p.Asp804=; no amino-acid change (aspartic acid 804 retained).
Molecular consequence: synonymous variant.
Genome position (GRCh38, 1-based): chr12:57,578,059, C>T. VCF-style: chr12-57578059-C-T. GRCh37 (hg19) VCF-style: chr12-57971842-C-T.
Other names: c.2145C>T, p.Asp715= (NM_001354705.2).
Identifiers: ClinVar variation 240086 (VCV000240086.48), dbSNP rs145062338, ClinGen allele CA6653104.
Genomic context (GRCh38, chr12:57,578,059, plus strand): 5'-TTCTTTCCAGGCCCGGGAACTCCAGACCCTCCACAACCTTCGCAAGCTGTTCGTTCAAGA[C>T]GTCACGACTCGAGTCAAGAAAGTGAGTGCTGTCCTTGGGGTTTTGTCAGCCCCCACATCC-3'
Protein context (NP_004975.2, residues 794-814): LHNLRKLFVQ[Asp804=]VTTRVKKSAE